The following is an entry in ClinVar:

NM_006019.4(TCIRG1):c.476G>A (p.Gly159Glu)

Gene: TCIRG1 (T cell immune regulator 1, ATPase H+ transporting V0 subunit a3; plus strand). Cytogenetic location: 11q13.2.
Variant type: single nucleotide variant.
Coding change: c.476G>A on transcript NM_006019.4 (MANE Select); coding-DNA position 476, G replaced by A.
Protein change: p.Gly159Glu; replaces glycine 159 with glutamic acid.
Molecular consequence: missense variant. On other transcripts: 5 prime UTR variant (2).
Genome position (GRCh38, 1-based): chr11:68,043,004, G>A. VCF-style: chr11-68043004-G-A. GRCh37 (hg19) VCF-style: chr11-67810471-G-A.
Other names: c.-774G>A (NM_001351059.2); c.-512G>A (NM_006053.4); short protein forms G159E.
Identifiers: ClinVar variation 305785 (VCV000305785.19), dbSNP rs199632510, ClinGen allele CA6146729.

ClinVar aggregate classification (germline): Conflicting classifications of pathogenicity. Review status: criteria provided, conflicting classifications (1 of 4 stars). 5 submissions from 5 submitters: Uncertain significance (2); Benign (1). 2 of the submissions do not count toward it. Last evaluated 2026-01-31.

Conditions:
TCIRG1-related disorder. Also called: TCIRG1-related condition.
Autosomal recessive osteopetrosis 1. Also called: ALBERS-SCHONBERG DISEASE, AUTOSOMAL RECESSIVE; TCIRG1-Related Osteopetrosis; TCIRG1-Related Autosomal Recessive Osteopetrosis. Identifiers: Orphanet 667, MedGen C1850127, MONDO:0009815, OMIM 259700.

Allele frequency attached by ClinVar (database versions not stated): gnomAD exomes 0.00021 and 0.00074; ExAC 0.00041; gnomAD 0.00046 and 0.00055; TOPMed 0.00050; 1000 Genomes Project 30x 0.00219; 1000 Genomes Project 0.00220.

Submissions (5):

Labcorp Genetics (formerly Invitae), Labcorp
Classification: Benign. Last evaluated: 2026-01-31. Review status: criteria provided, single submitter. Criteria: Invitae Variant Classification Sherloc (09022015). Collection method: clinical testing. Allele origin: germline.

GeneDx
Classification: Uncertain significance. Last evaluated: 2024-01-29. Review status: criteria provided, single submitter. Criteria: GeneDx Variant Classification Process June 2021. Collection method: clinical testing. Allele origin: germline. Affected: yes.
Comment: In silico analysis supports that this missense variant does not alter protein structure/function; Has not been previously published as pathogenic or benign to our knowledge

Illumina Laboratory Services, Illumina
Classification: Uncertain significance for Autosomal recessive osteopetrosis 1. Last evaluated: 2018-01-13. Review status: criteria provided, single submitter. Criteria: ICSL Variant Classification Criteria 13 December 2019. Collection method: clinical testing. Allele origin: germline.

Natera, Inc.
Classification: Likely benign for Infantile malignant osteopetrosis. Last evaluated: 2020-04-15. Review status: no assertion criteria provided. Collection method: clinical testing. Allele origin: germline. Not counted in ClinVar's aggregate classification.

PreventionGenetics, part of Exact Sciences
Classification: Benign for TCIRG1-related condition. Last evaluated: 2019-09-06. Review status: no assertion criteria provided. Collection method: clinical testing. Allele origin: germline. Not counted in ClinVar's aggregate classification.
Comment: This variant is classified as benign based on ACMG/AMP sequence variant interpretation guidelines (Richards et al. 2015 PMID: 25741868, with internal and published modifications).